The following is an entry in ClinVar:

ClinVar aggregate classification (germline): Uncertain significance (0 of 4 stars; one submission).

Conditions:
LEPR-related disorder. Also called: LEPR-related condition; LEPR-related disorders.

Allele frequency attached by ClinVar (database versions not stated): gnomAD exomes below 0.00001.
gnomAD v4.1: 1 of 1,613,596 alleles (0.000062%); highest among the groups gnomAD compares: Admixed American, 0.0017%; no homozygotes.

Submission:

PreventionGenetics, part of Exact Sciences
Classification: Uncertain significance for LEPR-related condition. Last evaluated: 2024-05-06. Review status: no assertion criteria provided. Collection method: clinical testing. Allele origin: germline.
Comment: The LEPR c.3469G>C variant is predicted to result in the amino acid substitution p.Glu1157Gln. This variant was observed in a cohort of obese individuals, and in vitro functional studies show suggestive evidence of loss of function (Table 3 and Supplemental Data Set, Shah et al. 2023. PubMed ID: 36864747). This variant is absent in a large population database, indicating it is rare. Although we suspect this variant may be pathogenic, at this time, the clinical significance of this variant is uncertain due to the absence of conclusive functional and genetic evidence.

NM_002303.6(LEPR):c.3469G>C (p.Glu1157Gln)

Gene: LEPR (leptin receptor; plus strand). Cytogenetic location: 1p31.3.
Variant type: single nucleotide variant.
Coding change: c.3469G>C on transcript NM_002303.6 (MANE Select); coding-DNA position 3469, G replaced by C.
Protein change: p.Glu1157Gln; replaces glutamic acid 1157 with glutamine.
Molecular consequence: missense variant.
Genome position (GRCh38, 1-based): chr1:65,636,986, G>C. VCF-style: chr1-65636986-G-C. GRCh37 (hg19) VCF-style: chr1-66102669-G-C.
Other names: short protein forms E1157Q.
Identifiers: ClinVar variation 2631952 (VCV002631952.2), dbSNP rs2526961172, ClinGen allele CA340691058.
Genomic context (GRCh38, chr1:65,636,986, plus strand): 5'-ACTTTTGCATCTTACATGCCTCAATTCCAAACTTGTTCTACTCAGACTCATAAGATCATG[G>C]AAAACAAGATGTGTGACCTAACTGTGTAATTTCACTGAAGAAACCTTCAGATTTGTGTTA-3'
Protein context (NP_002294.2, residues 1147-1165): TCSTQTHKIM[Glu1157Gln]NKMCDLTV